The following is an entry in ClinVar:

NM_001999.4(FBN2):c.5423-1G>C

Gene: FBN2 (fibrillin 2; minus strand). Cytogenetic location: 5q23.3.
Variant type: single nucleotide variant.
Coding change: c.5423-1G>C on transcript NM_001999.4 (MANE Select); the canonical splice acceptor site of the intron before coding-DNA position 5423, G replaced by C.
Molecular consequence: splice acceptor variant.
Genome position (GRCh38, 1-based): chr5:128,305,949, C>G on the plus strand (G>C on the coding strand, the complement: FBN2 is on the minus strand). VCF-style: chr5-128305949-C-G. GRCh37 (hg19) VCF-style: chr5-127641641-C-G.
Identifiers: ClinVar variation 2811532 (VCV002811532.3), dbSNP rs2479726159, ClinGen allele CA360741562.

ClinVar aggregate classification (germline): Uncertain significance (1 of 4 stars; one submission).

Conditions:
Congenital contractural arachnodactyly (CCA). Also called: Arthrogryposis, distal, type 9; BEALS SYNDROME; Beals-Hecht syndrome. Identifiers: Orphanet 115, MedGen C0220668, MONDO:0007363, OMIM 121050.

Submission:

Labcorp Genetics (formerly Invitae), Labcorp
Classification: Uncertain significance for Congenital contractural arachnodactyly. Last evaluated: 2023-01-14. Review status: criteria provided, single submitter. Criteria: Invitae Variant Classification Sherloc (09022015). Collection method: clinical testing. Allele origin: germline.
Comment: In summary, the available evidence is currently insufficient to determine the role of this variant in disease. Therefore, it has been classified as a Variant of Uncertain Significance. Algorithms developed to predict the effect of sequence changes on RNA splicing suggest that this variant may disrupt the consensus splice site. Disruption of this splice site has been observed in individual(s) with congenital contractural arachnodactyly (Invitae). This variant is not present in population databases (gnomAD no frequency). This sequence change affects an acceptor splice site in intron 42 of the FBN2 gene. It is expected to disrupt RNA splicing. Variants that disrupt the donor or acceptor splice site typically lead to a loss of protein function (PMID: 16199547), however the current clinical and genetic evidence is not sufficient to establish whether loss-of-function variants in FBN2 cause disease.

Literature cited by the submitters: PubMed 16199547.